The following is an entry in ClinVar:

NM_002691.4(POLD1):c.1903G>T (p.Asp635Tyr)

Gene: POLD1 (DNA polymerase delta 1, catalytic subunit; plus strand). Cytogenetic location: 19q13.33.
Variant type: single nucleotide variant.
Coding change: c.1903G>T on transcript NM_002691.4 (MANE Select); coding-DNA position 1903, G replaced by T.
Protein change: p.Asp635Tyr; replaces aspartic acid 635 with tyrosine.
Molecular consequence: missense variant. On other transcripts: non-coding transcript variant (1).
Genome position (GRCh38, 1-based): chr19:50,409,132, G>T. VCF-style: chr19-50409132-G-T. GRCh37 (hg19) VCF-style: chr19-50912389-G-T.
Other names: c.1903G>T, p.Asp635Tyr (NM_001256849.1, NM_001438210.1, NM_001438211.1 and 2 more transcripts); c.1981G>T, p.Asp661Tyr (NM_001308632.1); short protein forms D635Y, D661Y.
Identifiers: ClinVar variation 4669373 (VCV004669373.1).

ClinVar aggregate classification (germline): Uncertain significance (1 of 4 stars; one submission).

Conditions:
Hereditary cancer-predisposing syndrome. Also called: Neoplastic Syndromes, Hereditary; Tumor predisposition; Hereditary Cancer Syndrome; Hereditary neoplastic syndrome. Identifiers: Orphanet 140162, MedGen C0027672, MeSH D009386, MONDO:0015356.

Submission:

Ambry Genetics
Classification: Uncertain significance for Hereditary cancer-predisposing syndrome. Last evaluated: 2025-11-17. Review status: criteria provided, single submitter. Criteria: Ambry Variant Classification Scheme 2023. Collection method: clinical testing. Allele origin: germline.
Comment: The p.D635Y variant (also known as c.1903G>T), located in coding exon 15 of the POLD1 gene, results from a G to T substitution at nucleotide position 1903. The aspartic acid at codon 635 is replaced by tyrosine, an amino acid with highly dissimilar properties. This amino acid position is conserved. In addition, this alteration is predicted to be tolerated by in silico analysis. Based on the available evidence, the clinical significance of this variant remains unclear.